The following is an entry in ClinVar:

ClinVar aggregate classification (germline): Uncertain significance (1 of 4 stars; one submission).

Conditions:
Inborn genetic diseases. Identifiers: MedGen C0950123, MeSH D030342.

gnomAD v4.1: 1 of 1,614,080 alleles (0.000062%); highest among the groups gnomAD compares: African/African-American, 0.0013%; no homozygotes.

Submission:

Ambry Genetics
Classification: Uncertain significance for Inborn genetic diseases. Last evaluated: 2025-06-13. Review status: criteria provided, single submitter. Criteria: Ambry Variant Classification Scheme 2023. Collection method: clinical testing. Allele origin: germline.
Comment: The p.D284N variant (also known as c.850G>A), located in coding exon 3 of the SH2B3 gene, results from a G to A substitution at nucleotide position 850. The aspartic acid at codon 284 is replaced by asparagine, an amino acid with highly similar properties. This amino acid position is conserved. In addition, this alteration is predicted to be tolerated by in silico analysis. Based on the available evidence, the clinical significance of this variant remains unclear.

NM_005475.3(SH2B3):c.850G>A (p.Asp284Asn)

Gene: SH2B3 (SH2B adaptor protein 3; plus strand). Cytogenetic location: 12q24.12.
Variant type: single nucleotide variant.
Coding change: c.850G>A on transcript NM_005475.3 (MANE Select); coding-DNA position 850, G replaced by A.
Protein change: p.Asp284Asn; replaces aspartic acid 284 with asparagine.
Molecular consequence: missense variant.
Genome position (GRCh38, 1-based): chr12:111,446,957, G>A. VCF-style: chr12-111446957-G-A. GRCh37 (hg19) VCF-style: chr12-111884761-G-A.
Other names: c.244G>A, p.Asp82Asn (NM_001291424.1); short protein forms D284N, D82N.
Identifiers: ClinVar variation 3953568 (VCV003953568.1).